The following is an entry in ClinVar:

NM_032806.6(POMGNT2):c.1409G>A (p.Gly470Glu)

Gene: POMGNT2 (protein O-linked mannose N-acetylglucosaminyltransferase 2 (beta 1,4-); minus strand). Cytogenetic location: 3p22.1.
Variant type: single nucleotide variant.
Coding change: c.1409G>A on transcript NM_032806.6 (MANE Select); coding-DNA position 1409, G replaced by A.
Protein change: p.Gly470Glu; replaces glycine 470 with glutamic acid.
Molecular consequence: missense variant.
Genome position (GRCh38, 1-based): chr3:43,080,023, C>T on the plus strand (G>A on the coding strand, the complement: POMGNT2 is on the minus strand). VCF-style: chr3-43080023-C-T. GRCh37 (hg19) VCF-style: chr3-43121515-C-T.
Other names: short protein forms G470E.
Identifiers: ClinVar variation 1914429 (VCV001914429.5), dbSNP rs2089832926, ClinGen allele CA352300145.

ClinVar aggregate classification (germline): Uncertain significance (1 of 4 stars; one submission).

Conditions:
Muscular dystrophy-dystroglycanopathy (congenital with brain and eye anomalies), type a, 8 (MDDGA8). Also called: WALKER-WARBURG SYNDROME OR MUSCLE-EYE-BRAIN DISEASE, GTDC2-RELATED. Identifiers: Orphanet 899, MedGen C3553813, MONDO:0013904, OMIM 614830.

Submission:

Labcorp Genetics (formerly Invitae), Labcorp
Classification: Uncertain significance for Muscular dystrophy-dystroglycanopathy (congenital with brain and eye anomalies), type a, 8. Last evaluated: 2022-11-15. Review status: criteria provided, single submitter. Criteria: Invitae Variant Classification Sherloc (09022015). Collection method: clinical testing. Allele origin: germline.
Comment: This sequence change replaces glycine, which is neutral and non-polar, with glutamic acid, which is acidic and polar, at codon 470 of the POMGNT2 protein (p.Gly470Glu). This variant is not present in population databases (gnomAD no frequency). This variant has not been reported in the literature in individuals affected with POMGNT2-related conditions. Advanced modeling of protein sequence and biophysical properties (such as structural, functional, and spatial information, amino acid conservation, physicochemical variation, residue mobility, and thermodynamic stability) performed at Invitae indicates that this missense variant is not expected to disrupt POMGNT2 protein function. In summary, the available evidence is currently insufficient to determine the role of this variant in disease. Therefore, it has been classified as a Variant of Uncertain Significance.